The following is an entry in ClinVar:

ClinVar aggregate classification (germline): Benign/Likely benign. Review status: criteria provided, multiple submitters, no conflicts (2 of 4 stars). 4 submissions from 4 submitters: Benign (2); Likely benign (1). 1 of the submissions does not count toward it. Last evaluated 2026-01-19.

Conditions:
IGSF10-related disorder. Also called: IGSF10-related condition.

Allele frequency attached by ClinVar (database versions not stated): 1000 Genomes Project 30x 0.00187; gnomAD exomes 0.00200 and 0.00292; gnomAD 0.00253 and 0.00260; TOPMed 0.00273; ESP Exome Variant Server 0.00292; ExAC 0.00163; 1000 Genomes Project 0.00180.
gnomAD v4.1: 4,708 of 1,614,178 alleles (0.29%); highest among the groups gnomAD compares: Admixed American, 0.53%; 12 homozygotes.

Submissions (4):

Labcorp Genetics (formerly Invitae), Labcorp
Classification: Benign. Last evaluated: 2026-01-19. Review status: criteria provided, single submitter. Criteria: Invitae Variant Classification Sherloc (09022015). Collection method: clinical testing. Allele origin: germline.

CeGaT Center for Human Genetics Tuebingen
Classification: Likely benign. Last evaluated: 2024-12-01. Review status: criteria provided, single submitter. Criteria: CeGaT Center For Human Genetics Tuebingen Variant Classification Criteria Version 2. Collection method: clinical testing. Allele origin: germline. Affected: yes. Observed: 1 variant allele.
Comment: IGSF10: BP4, BP7

Breakthrough Genomics
Classification: Benign. Review status: criteria provided, single submitter. Criteria: ACMG Guidelines, 2015. Collection method: not provided. Allele origin: germline. Inheritance: Unknown mechanism. Affected: yes.

PreventionGenetics, part of Exact Sciences
Classification: Likely benign for IGSF10-related condition. Last evaluated: 2019-03-06. Review status: no assertion criteria provided. Collection method: clinical testing. Allele origin: germline. Not counted in ClinVar's aggregate classification.
Comment: This variant is classified as likely benign based on ACMG/AMP sequence variant interpretation guidelines (Richards et al. 2015 PMID: 25741868, with internal and published modifications).

NM_178822.5(IGSF10):c.4596C>T (p.Ala1532=)

Gene: IGSF10 (immunoglobulin superfamily member 10; minus strand). Cytogenetic location: 3q25.1.
Variant type: single nucleotide variant.
Coding change: c.4596C>T on transcript NM_178822.5 (MANE Select); coding-DNA position 4596, C replaced by T.
Protein change: p.Ala1532=; no amino-acid change (alanine 1532 retained).
Molecular consequence: synonymous variant.
Genome position (GRCh38, 1-based): chr3:151,445,385, G>A on the plus strand (C>T on the coding strand, the complement: IGSF10 is on the minus strand). VCF-style: chr3-151445385-G-A. GRCh37 (hg19) VCF-style: chr3-151163173-G-A.
Other names: c.4596C>T, p.Ala1532= (NM_001385060.1, NM_001385061.1, NM_001385062.1 and 1 more transcripts).
Identifiers: ClinVar variation 718428 (VCV000718428.25), dbSNP rs34674218, ClinGen allele CA2669936.